The following is an entry in ClinVar:

NM_006393.3(NEBL):c.2220G>C (p.Lys740Asn)

Gene: NEBL (nebulette; minus strand). Cytogenetic location: 10p12.31.
Variant type: single nucleotide variant.
Coding change: c.2220G>C on transcript NM_006393.3 (MANE Select); coding-DNA position 2220, G replaced by C.
Protein change: p.Lys740Asn; replaces lysine 740 with asparagine.
Molecular consequence: missense variant. On other transcripts: intron variant (9).
Genome position (GRCh38, 1-based): chr10:20,815,646, C>G on the plus strand (G>C on the coding strand, the complement: NEBL is on the minus strand). VCF-style: chr10-20815646-C-G. GRCh37 (hg19) VCF-style: chr10-21104575-C-G.
Other names: c.250-2706G>C (NM_001377326.1, NM_001377327.1, NM_001377328.1); c.358-2706G>C (NM_213569.2, NM_001173484.2, NM_001377322.1); c.301-2706G>C (NM_001377324.1); c.292-2706G>C (NM_001377325.1); c.310-2706G>C (NM_001377323.1); short protein forms K740N.
Identifiers: ClinVar variation 4860797 (VCV004860797.1).

ClinVar aggregate classification (germline): Uncertain significance (1 of 4 stars; one submission).

Submission:

Ambry Genetics
Classification: Uncertain significance. Last evaluated: 2026-04-20. Review status: criteria provided, single submitter. Criteria: Ambry Variant Classification Scheme 2023. Collection method: clinical testing. Allele origin: germline.
Comment: The p.K740N variant (also known as c.2220G>C), located in coding exon 22 of the NEBL gene, results from a G to C substitution at nucleotide position 2220. The lysine at codon 740 is replaced by asparagine, an amino acid with similar properties. This amino acid position is conserved. In addition, this alteration is predicted to be tolerated by in silico analysis. Based on the available evidence, the clinical significance of this variant remains unclear.